The following is an entry in ClinVar:

NM_145167.3(PIGM):c.444T>A (p.Ser148=)

Gene: PIGM (phosphatidylinositol glycan anchor biosynthesis class M; minus strand). Cytogenetic location: 1q23.2.
Variant type: single nucleotide variant.
Coding change: c.444T>A on transcript NM_145167.3 (MANE Select); coding-DNA position 444, T replaced by A.
Protein change: p.Ser148=; no amino-acid change (serine 148 retained).
Molecular consequence: synonymous variant.
Genome position (GRCh38, 1-based): chr1:160,031,296, A>T on the plus strand (T>A on the coding strand, the complement: PIGM is on the minus strand). VCF-style: chr1-160031296-A-T. GRCh37 (hg19) VCF-style: chr1-160001086-A-T.
Identifiers: ClinVar variation 3619855 (VCV003619855.2).

ClinVar aggregate classification (germline): Uncertain significance (1 of 4 stars; one submission).

Conditions:
Hypercoagulability syndrome due to glycosylphosphatidylinositol deficiency (GPIBD1). Also called: GLYCOSYLPHOSPHATIDYLINOSITOL BIOSYNTHESIS DEFECT 1. Identifiers: Orphanet 83639, MedGen C5201145, MONDO:0012465, OMIM 610293.

Submission:

Labcorp Genetics (formerly Invitae), Labcorp
Classification: Uncertain significance for Hypercoagulability syndrome due to glycosylphosphatidylinositol deficiency. Last evaluated: 2024-03-07. Review status: criteria provided, single submitter. Criteria: Invitae Variant Classification Sherloc (09022015). Collection method: clinical testing. Allele origin: germline.
Comment: This sequence change affects codon 148 of the PIGM mRNA. It is a 'silent' change, meaning that it does not change the encoded amino acid sequence of the PIGM protein. This variant is not present in population databases (gnomAD no frequency). This variant has not been reported in the literature in individuals affected with PIGM-related conditions. In summary, the available evidence is currently insufficient to determine the role of this variant in disease. Therefore, it has been classified as a Variant of Uncertain Significance.